The following is an entry in ClinVar:

ClinVar aggregate classification (germline): Uncertain significance (1 of 4 stars; one submission).

Conditions:
Inborn genetic diseases. Identifiers: MedGen C0950123, MeSH D030342.

gnomAD v4.1: 4 of 1,613,526 alleles (0.00025%); highest among the groups gnomAD compares: South Asian, 0.0022%; no homozygotes.

Submission:

Ambry Genetics
Classification: Uncertain significance for Inborn genetic diseases. Last evaluated: 2026-02-17. Review status: criteria provided, single submitter. Criteria: Ambry Variant Classification Scheme 2023. Collection method: clinical testing. Allele origin: germline.
Comment: The c.673C>T (p.R225C) alteration is located in exon 5 (coding exon 5) of the KIF21A gene. This alteration results from a C to T substitution at nucleotide position 673, causing the arginine (R) at amino acid position 225 to be replaced by a cysteine (C). Based on data from gnomAD, the T allele has an overall frequency of 0.001% (2/251300) total alleles studied. The highest observed frequency was 0.003% (1/30608) of South Asian alleles. Based on insufficient or conflicting evidence, the clinical significance of this alteration remains unclear.

NM_001173464.2(KIF21A):c.673C>T (p.Arg225Cys)

Gene: KIF21A (kinesin family member 21A; minus strand). Cytogenetic location: 12q12.
Variant type: single nucleotide variant.
Coding change: c.673C>T on transcript NM_001173464.2 (MANE Select); coding-DNA position 673, C replaced by T.
Protein change: p.Arg225Cys; replaces arginine 225 with cysteine.
Molecular consequence: missense variant.
Genome position (GRCh38, 1-based): chr12:39,367,092, G>A on the plus strand (C>T on the coding strand, the complement: KIF21A is on the minus strand). VCF-style: chr12-39367092-G-A. GRCh37 (hg19) VCF-style: chr12-39760894-G-A.
Other names: c.673C>T, p.Arg225Cys (NM_001173463.2, NM_001173465.2, NM_001378439.1 and 3 more transcripts); short protein forms R225C.
Identifiers: ClinVar variation 4840089 (VCV004840089.1).